The following is an entry in ClinVar:

NM_031418.4(ANO3):c.2791A>T (p.Ile931Phe)

Gene: ANO3 (anoctamin 3; plus strand). Cytogenetic location: 11p14.2.
Variant type: single nucleotide variant.
Coding change: c.2791A>T on transcript NM_031418.4 (MANE Select); coding-DNA position 2791, A replaced by T.
Protein change: p.Ile931Phe; replaces isoleucine 931 with phenylalanine.
Molecular consequence: missense variant.
Genome position (GRCh38, 1-based): chr11:26,660,289, A>T. VCF-style: chr11-26660289-A-T. GRCh37 (hg19) VCF-style: chr11-26681836-A-T.
Other names: c.2974A>T, p.Ile992Phe (NM_001313726.2); c.2353A>T, p.Ile785Phe (NM_001313727.2); short protein forms I785F, I931F, I992F.
Identifiers: ClinVar variation 4774970 (VCV004774970.1).

ClinVar aggregate classification (germline): Uncertain significance (1 of 4 stars; one submission).

Conditions:
Dystonic disorder. Also called: Dystonia. Identifiers: MedGen C0013421, MONDO:0003441, HP:0001332.

Submission:

Labcorp Genetics (formerly Invitae), Labcorp
Classification: Uncertain significance for Dystonic disorder. Last evaluated: 2025-10-23. Review status: criteria provided, single submitter. Criteria: Invitae Variant Classification Sherloc (09022015). Collection method: clinical testing. Allele origin: germline.
Comment: This sequence change replaces isoleucine, which is neutral and non-polar, with phenylalanine, which is neutral and non-polar, at codon 931 of the ANO3 protein (p.Ile931Phe). This variant is not present in population databases (gnomAD no frequency). This variant has not been reported in the literature in individuals affected with ANO3-related conditions. Invitae Evidence Modeling of protein sequence and biophysical properties (such as structural, functional, and spatial information, amino acid conservation, physicochemical variation, residue mobility, and thermodynamic stability) has been performed for this missense variant. However, the output from this modeling did not meet the statistical confidence thresholds required to predict the impact of this variant on ANO3 protein function. In summary, the available evidence is currently insufficient to determine the role of this variant in disease. Therefore, it has been classified as a Variant of Uncertain Significance.